The following is an entry in ClinVar:

ClinVar aggregate classification (germline): Pathogenic (1 of 4 stars; one submission).

Conditions:
Neurofibromatosis, type 1 (NF1). Also called: Peripheral type neurofibromatosis; NEUROFIBROMATOSIS, TYPE I, SOMATIC; Neurofibromatosis, type I; VON RECKLINGHAUSEN DISEASE. Identifiers: Orphanet 636, MedGen C0027831, MONDO:0018975, OMIM 162200. Disease mechanism: loss of function.

Submission:

Labcorp Genetics (formerly Invitae), Labcorp
Classification: Pathogenic for Neurofibromatosis, type 1. Last evaluated: 2023-11-02. Review status: criteria provided, single submitter. Criteria: Invitae Variant Classification Sherloc (09022015). Collection method: clinical testing. Allele origin: germline.
Comment: This sequence change creates a premature translational stop signal (p.Val7Trpfs*17) in the NF1 gene. It is expected to result in an absent or disrupted protein product. Loss-of-function variants in NF1 are known to be pathogenic (PMID: 10712197, 23913538). This variant is not present in population databases (gnomAD no frequency). This variant has not been reported in the literature in individuals affected with NF1-related conditions. For these reasons, this variant has been classified as Pathogenic.

Literature cited by the submitters: PubMed 10712197; PubMed 23913538.

NM_001042492.3(NF1):c.19del (p.Val7fs)

Genes: MIR4733HG (MIR4733 host gene; minus strand), NF1 (neurofibromin 1; plus strand), LOC111811965 (NF1 (neurofibromin 1) promoter region; plus strand). Cytogenetic location: 17q11.2.
Variant type: Deletion.
Coding change: c.19del on transcript NM_001042492.3 (MANE Select); coding-DNA position 19, one base deleted (G; older notation c.19delG).
Protein change: p.Val7fs; shifts the reading frame from valine 7.
Molecular consequence: frameshift variant. On other transcripts: non-coding transcript variant (1).
Genome position (GRCh38, 1-based): chr17:31,095,328, G deleted; the last of 2 consecutive G bases (chr17:31,095,327-31,095,328); deleting either gives the same sequence. VCF-style (leftmost placement, unchanged base first): chr17-31095326-CG-C. GRCh37 (hg19) VCF-style: chr17-29422344-CG-C.
Other names: c.19del, p.Val7fs (NM_001128147.3); c.19delG, p.Val7Trpfs (NM_000267.4); short protein forms V7fs.
Identifiers: ClinVar variation 2692786 (VCV002692786.3), dbSNP rs2544511197, ClinGen allele CA2697559660.
Genomic context (GRCh38, chr17:31,095,326, plus strand): 5'-CCGGCCCACCCTTCCCTCCGCCGCCCCCCGGCCGCGGGGAGGACATGGCCGCGCACAGGC[CG>C]GTGGAATGGGTCCAGGCCGTGGTCAGCCGCTTCGACGAGCAGGTAACCGGCCCGTGGCGG-3'